The following is an entry in ClinVar:

NM_007294.4(BRCA1):c.388T>C (p.Tyr130His)

Gene: BRCA1 (BRCA1 DNA repair associated; minus strand). Cytogenetic location: 17q21.31.
Variant type: single nucleotide variant.
Coding change: c.388T>C on transcript NM_007294.4 (MANE Select); coding-DNA position 388, T replaced by C.
Protein change: p.Tyr130His; replaces tyrosine 130 with histidine.
Molecular consequence: missense variant. On other transcripts: non-coding transcript variant (1).
Genome position (GRCh38, 1-based): chr17:43,104,175, A>G on the plus strand (T>C on the coding strand, the complement: BRCA1 is on the minus strand). VCF-style: chr17-43104175-A-G. GRCh37 (hg19) VCF-style: chr17-41256192-A-G.
Other names: c.388T>C, p.Tyr130His (NM_001407981.1, NM_001407986.1, NM_001407982.1 and 165 more transcripts); c.247T>C, p.Tyr83His (NM_001407747.1, NM_001407748.1, NM_001407749.1 and 99 more transcripts); c.178T>C, p.Tyr60His (NM_001407853.1, NM_001407879.1, NM_001407881.1 and 58 more transcripts); c.310T>C, p.Tyr104His (NM_001407862.1, NM_001407874.1, NM_001407875.1 and 21 more transcripts); c.7T>C, p.Tyr3His (NM_001407959.1, NM_001407960.1, NM_001407962.1 and 4 more transcripts); c.379T>C, p.Tyr127His (NM_001408408.1, NM_001407646.1, NM_001407647.1); c.256T>C, p.Tyr86His (NM_001408451.1); short protein forms Y130H, Y83H, Y104H, Y3H, Y60H, Y86H, Y127H.
Identifiers: ClinVar variation 1051035 (VCV001051035.13), dbSNP rs1204011551, ClinGen allele CA10601365.

ClinVar aggregate classification (germline): Uncertain significance (1 of 4 stars; one submission).

Conditions:
Hereditary breast ovarian cancer syndrome. Also called: Hereditary breast and ovarian cancer syndrome; Hereditary breast and ovarian cancer; Hereditary breast and ovarian cancer syndrome (HBOC); BRCA1- and BRCA2-Associated Hereditary Breast and Ovarian Cancer; Hereditary breast and/or ovarian cancer syndrome; Breast and ovarian cancer. Identifiers: Orphanet 145, MedGen C0677776, MeSH D061325, MONDO:0003582. Disease mechanism: loss of function.

Submission:

Labcorp Genetics (formerly Invitae), Labcorp
Classification: Uncertain significance for Hereditary breast ovarian cancer syndrome. Last evaluated: 2024-09-09. Review status: criteria provided, single submitter. Criteria: Invitae Variant Classification Sherloc (09022015). Collection method: clinical testing. Allele origin: germline.
Comment: This sequence change replaces tyrosine, which is neutral and polar, with histidine, which is basic and polar, at codon 130 of the BRCA1 protein (p.Tyr130His). This variant is not present in population databases (gnomAD no frequency). This variant has not been reported in the literature in individuals affected with BRCA1-related conditions. ClinVar contains an entry for this variant (Variation ID: 1051035). Invitae Evidence Modeling of protein sequence and biophysical properties (such as structural, functional, and spatial information, amino acid conservation, physicochemical variation, residue mobility, and thermodynamic stability) indicates that this missense variant is expected to disrupt BRCA1 protein function with a positive predictive value of 80%. In summary, the available evidence is currently insufficient to determine the role of this variant in disease. Therefore, it has been classified as a Variant of Uncertain Significance.